The following is an entry in ClinVar:

ClinVar aggregate classification (germline): Likely pathogenic (1 of 4 stars; one submission).

Conditions:
Distal myopathy with posterior leg and anterior hand involvement. Also called: WILLIAMS DISTAL MYOPATHY. Identifiers: Orphanet 63273, MedGen C3279722, MONDO:0013550, OMIM 614065.
Hypertrophic cardiomyopathy 26. Also called: Cardiomyopathy, familial hypertrophic, 26. Identifiers: Orphanet 75249, MedGen C4310749, MONDO:0014883, OMIM 617047.
Myofibrillar myopathy 5. Also called: FILAMINOPATHY, AUTOSOMAL DOMINANT; Filaminopathy (type). Identifiers: Orphanet 171445, MedGen C1836050, MONDO:0012289, OMIM 609524.

Submission:

Labcorp Genetics (formerly Invitae), Labcorp
Classification: Likely pathogenic for Distal myopathy with posterior leg and anterior hand involvement; Myofibrillar myopathy 5; Hypertrophic cardiomyopathy 26. Last evaluated: 2023-11-27. Review status: criteria provided, single submitter. Criteria: Invitae Variant Classification Sherloc (09022015). Collection method: clinical testing. Allele origin: germline.
Comment: This sequence change affects an acceptor splice site in intron 33 of the FLNC gene. It is expected to disrupt RNA splicing. Variants that disrupt the donor or acceptor splice site typically lead to a loss of protein function (PMID: 16199547), and loss-of-function variants in FLNC are known to be pathogenic (PMID: 27908349). This variant is not present in population databases (gnomAD no frequency). This variant has not been reported in the literature in individuals affected with FLNC-related conditions. ClinVar contains an entry for this variant (Variation ID: 1475555). Algorithms developed to predict the effect of sequence changes on RNA splicing suggest that this variant may disrupt the consensus splice site. In summary, the currently available evidence indicates that the variant is pathogenic, but additional data are needed to prove that conclusively. Therefore, this variant has been classified as Likely Pathogenic.

Literature cited by the submitters: PubMed 16199547; PubMed 27908349.

NM_001458.5(FLNC):c.5540-2A>G

Genes: FLNC-AS1 (FLNC antisense RNA 1; minus strand), FLNC (filamin C; plus strand). Cytogenetic location: 7q32.1.
Variant type: single nucleotide variant.
Coding change: c.5540-2A>G on transcript NM_001458.5 (MANE Select); the canonical splice acceptor site of the intron before coding-DNA position 5540, A replaced by G.
Molecular consequence: splice acceptor variant.
Genome position (GRCh38, 1-based): chr7:128,851,230, A>G. VCF-style: chr7-128851230-A-G. GRCh37 (hg19) VCF-style: chr7-128491284-A-G.
Other names: c.5441-2A>G (NM_001127487.2).
Identifiers: ClinVar variation 1475555 (VCV001475555.6), dbSNP rs111477195, ClinGen allele CA369207154.